The following is an entry in ClinVar:

NM_000181.4(GUSB):c.238C>G (p.Pro80Ala)

Gene: GUSB (glucuronidase beta; minus strand). Cytogenetic location: 7q11.21.
Variant type: single nucleotide variant.
Coding change: c.238C>G on transcript NM_000181.4 (MANE Select); coding-DNA position 238, C replaced by G.
Protein change: p.Pro80Ala; replaces proline 80 with alanine.
Molecular consequence: missense variant. On other transcripts: 5 prime UTR variant (2), non-coding transcript variant (1).
Genome position (GRCh38, 1-based): chr7:65,980,382, G>C on the plus strand (C>G on the coding strand, the complement: GUSB is on the minus strand). VCF-style: chr7-65980382-G-C. GRCh37 (hg19) VCF-style: chr7-65445369-G-C.
Other names: c.238C>G, p.Pro80Ala (NM_001284290.2); c.-148C>G (NM_001293104.2); c.-92C>G (NM_001293105.2); short protein forms P80A.
Identifiers: ClinVar variation 2107424 (VCV002107424.4), dbSNP rs2484846821, ClinGen allele CA367652916.

ClinVar aggregate classification (germline): Uncertain significance (1 of 4 stars; one submission).

Conditions:
Mucopolysaccharidosis type 7 (MPS7). Also called: GUSB DEFICIENCY; BETA-GLUCURONIDASE DEFICIENCY; SLY SYNDROME; MPS VII. Identifiers: Orphanet 584, MedGen C0085132, MONDO:0009662, OMIM 253220.

Submission:

Labcorp Genetics (formerly Invitae), Labcorp
Classification: Uncertain significance for Mucopolysaccharidosis type 7. Last evaluated: 2022-05-22. Review status: criteria provided, single submitter. Criteria: Invitae Variant Classification Sherloc (09022015). Collection method: clinical testing. Allele origin: germline.
Comment: This sequence change replaces proline, which is neutral and non-polar, with alanine, which is neutral and non-polar, at codon 80 of the GUSB protein (p.Pro80Ala). In summary, the available evidence is currently insufficient to determine the role of this variant in disease. Therefore, it has been classified as a Variant of Uncertain Significance. Algorithms developed to predict the effect of missense changes on protein structure and function are either unavailable or do not agree on the potential impact of this missense change (SIFT: "Deleterious"; PolyPhen-2: "Probably Damaging"; Align-GVGD: "Class C0"). This variant has not been reported in the literature in individuals affected with GUSB-related conditions. This variant is not present in population databases (gnomAD no frequency).